The following is an entry in ClinVar:

NM_004369.4(COL6A3):c.91+159G>A

Gene: COL6A3 (collagen type VI alpha 3 chain; minus strand). Cytogenetic location: 2q37.3.
Variant type: single nucleotide variant.
Coding change: c.91+159G>A on transcript NM_004369.4 (MANE Select); 159 bases into the intron after coding-DNA position 91, G replaced by A.
Molecular consequence: intron variant.
Genome position (GRCh38, 1-based): chr2:237,396,568, C>T on the plus strand (G>A on the coding strand, the complement: COL6A3 is on the minus strand). VCF-style: chr2-237396568-C-T. GRCh37 (hg19) VCF-style: chr2-238305211-C-T.
Other names: c.91+159G>A (NM_057166.5, NM_057167.4, NM_057164.5 and 1 more transcripts).
Identifiers: ClinVar variation 679227 (VCV000679227.2), dbSNP rs1553032, ClinGen allele CA15188695.

ClinVar aggregate classification (germline): Benign. Review status: criteria provided, multiple submitters, no conflicts (2 of 4 stars). 2 submissions from 2 submitters: Benign (2). Last evaluated 2018-06-14.

Allele frequency attached by ClinVar (database versions not stated): TOPMed 0.70216; gnomAD 0.70426 and 0.70463; 1000 Genomes Project 0.72564; 1000 Genomes Project 30x 0.72689.
gnomAD v4.1: 107,235 of 152,208 alleles (70%); highest among the groups gnomAD compares: East Asian, 82%; 38,075 homozygotes.

Submissions (2):

GeneDx
Classification: Benign. Last evaluated: 2018-06-14. Review status: criteria provided, single submitter. Criteria: GeneDx Variant Classification (06012015). Collection method: clinical testing. Allele origin: germline. Affected: yes.
Comment: This variant is considered likely benign or benign based on one or more of the following criteria: it is a conservative change, it occurs at a poorly conserved position in the protein, it is predicted to be benign by multiple in silico algorithms, and/or has population frequency not consistent with disease.

Breakthrough Genomics
Classification: Benign. Review status: criteria provided, single submitter. Criteria: ACMG Guidelines, 2015. Collection method: not provided. Allele origin: germline. Inheritance: Autosomal recessive inheritance. Affected: yes.